The following is an entry in ClinVar:

NM_000122.2(ERCC3):c.2028G>A (p.Arg676=)

Gene: ERCC3 (ERCC excision repair 3, TFIIH core complex helicase subunit; minus strand). Cytogenetic location: 2q14.3.
Variant type: single nucleotide variant.
Coding change: c.2028G>A on transcript NM_000122.2 (MANE Select); coding-DNA position 2028, G replaced by A.
Protein change: p.Arg676=; no amino-acid change (arginine 676 retained).
Molecular consequence: synonymous variant.
Genome position (GRCh38, 1-based): chr2:127,261,264, C>T on the plus strand (G>A on the coding strand, the complement: ERCC3 is on the minus strand). VCF-style: chr2-127261264-C-T. GRCh37 (hg19) VCF-style: chr2-128018840-C-T.
Other names: c.1836G>A, p.Arg612= (NM_001303416.2, NM_001303418.2).
Identifiers: ClinVar variation 4822955 (VCV004822955.4).

ClinVar aggregate classification (germline): Likely benign (1 of 4 stars; one submission).

gnomAD v4.1: 3 of 1,612,414 alleles (0.00019%); highest among the groups gnomAD compares: Middle Eastern, 0.016%; no homozygotes.

Submission:

CeGaT Center for Human Genetics Tuebingen
Classification: Likely benign. Last evaluated: 2026-01-01. Review status: criteria provided, single submitter. Criteria: CeGaT Center For Human Genetics Tuebingen Variant Classification Criteria Version 2. Collection method: clinical testing. Allele origin: germline. Affected: yes. Observed: 1 variant allele.
Comment: ERCC3: BP4, BP7